The following is an entry in ClinVar:

NM_016734.3(PAX5):c.244G>A (p.Val82Ile)

Gene: PAX5 (paired box 5; minus strand). Cytogenetic location: 9p13.2.
Variant type: single nucleotide variant.
Coding change: c.244G>A on transcript NM_016734.3 (MANE Select); coding-DNA position 244, G replaced by A.
Protein change: p.Val82Ile; replaces valine 82 with isoleucine.
Molecular consequence: missense variant. On other transcripts: 5 prime UTR variant (2), non-coding transcript variant (2), intron variant (1).
Genome position (GRCh38, 1-based): chr9:37,015,163, C>T on the plus strand (G>A on the coding strand, the complement: PAX5 is on the minus strand). VCF-style: chr9-37015163-C-T. GRCh37 (hg19) VCF-style: chr9-37015160-C-T.
Other names: c.244G>A, p.Val82Ile (NM_001280547.2, NM_001280548.2, NM_001280549.2 and 4 more transcripts); c.-81G>A (NM_001280551.2, NM_001280556.2); c.212+5473G>A (NM_001280555.2); short protein forms V82I.
Identifiers: ClinVar variation 134999 (VCV000134999.9), dbSNP rs587778589, ClinGen allele CA161363.

ClinVar aggregate classification (germline): Benign/Likely benign. Review status: criteria provided, multiple submitters, no conflicts (2 of 4 stars). 4 submissions from 4 submitters: Benign (2); Likely benign (1). 1 of the submissions does not count toward it. Last evaluated 2025-11-24.

Allele frequency attached by ClinVar (database versions not stated): gnomAD 0.00011; TOPMed 0.00040; gnomAD exomes 0.00041 and 0.00091; ExAC 0.00070.
gnomAD v4.1: 262 of 1,614,024 alleles (0.016%); highest among the groups gnomAD compares: Admixed American, 0.43%; no homozygotes.

Submissions (4):

Labcorp Genetics (formerly Invitae), Labcorp
Classification: Benign. Last evaluated: 2025-11-24. Review status: criteria provided, single submitter. Criteria: Invitae Variant Classification Sherloc (09022015). Collection method: clinical testing. Allele origin: germline.

Blueprint Genetics
Classification: Likely benign. Last evaluated: 2022-07-27. Review status: criteria provided, single submitter. Criteria: ACMG Guidelines, 2015. Collection method: clinical testing. Allele origin: germline.

Genetic Services Laboratory, University of Chicago
Classification: Benign. Last evaluated: 2021-03-10. Review status: criteria provided, single submitter. Criteria: ACMG Guidelines, 2015. Collection method: clinical testing. Allele origin: germline. Affected: no.

ITMI
No classification provided. Condition: AllHighlyPenetrant. Last evaluated: 2013-09-19. Review status: no classification provided. Collection method: reference population. Allele origin: germline. Not counted in ClinVar's aggregate classification.
Comment: Please see associated publication for description of ethnicities

Literature cited by the submitters: PubMed 24728327 (cited by ITMI).